The following is an entry in ClinVar:

ClinVar aggregate classification (germline): Benign. Review status: criteria provided, multiple submitters, no conflicts (2 of 4 stars). 3 submissions from 3 submitters: Benign (2). 1 of the submissions does not count toward it. Last evaluated 2018-12-27.

Conditions:
SUPT16H-related disorder. Also called: SUPT16H-related condition.

Allele frequency attached by ClinVar (database versions not stated): gnomAD exomes 0.00302 and 0.00508; ExAC 0.00523; 1000 Genomes Project 0.01118; gnomAD 0.01131 and 0.01195; 1000 Genomes Project 30x 0.01202; ESP Exome Variant Server 0.01276; TOPMed 0.01319.
gnomAD v4.1: 6,284 of 1,583,334 alleles (0.4%); highest among the groups gnomAD compares: African/African-American, 3.3%; 47 homozygotes.

Submissions (9):

Labcorp Genetics (formerly Invitae), Labcorp
Classification: Benign. Last evaluated: 2018-12-27. Review status: criteria provided, single submitter. Criteria: Invitae Variant Classification Sherloc (09022015). Collection method: clinical testing. Allele origin: germline.

Breakthrough Genomics
Classification: Benign. Review status: criteria provided, single submitter. Criteria: ACMG Guidelines, 2015. Collection method: not provided. Allele origin: germline. Inheritance: Autosomal dominant inheritance. Affected: yes.

PreventionGenetics, part of Exact Sciences
Classification: Benign for SUPT16H-related condition. Last evaluated: 2019-02-20. Review status: no assertion criteria provided. Collection method: clinical testing. Allele origin: germline. Not counted in ClinVar's aggregate classification.
Comment: This variant is classified as benign based on ACMG/AMP sequence variant interpretation guidelines (Richards et al. 2015 PMID: 25741868, with internal and published modifications).

Dr. Peter K. Rogan Lab, Western University
No classification provided (evidence only). Condition: Acute myeloid leukemia. Review status: no classification provided. Collection method: in vitro. Allele origin: not applicable. Functional consequence: retained intron. Not counted in ClinVar's aggregate classification.

Dr. Peter K. Rogan Lab, Western University
No classification provided (evidence only). Condition: Acute myeloid leukemia. Review status: no classification provided. Collection method: in vitro. Allele origin: not applicable. Functional consequence: retained intron. Not counted in ClinVar's aggregate classification.

Dr. Peter K. Rogan Lab, Western University
No classification provided (evidence only). Condition: Ovarian serous cystadenocarcinoma. Review status: no classification provided. Collection method: in vitro. Allele origin: not applicable. Functional consequence: retained intron. Not counted in ClinVar's aggregate classification.

Dr. Peter K. Rogan Lab, Western University
No classification provided (evidence only). Condition: Ovarian serous cystadenocarcinoma. Review status: no classification provided. Collection method: in vitro. Allele origin: not applicable. Functional consequence: retained intron. Not counted in ClinVar's aggregate classification.

Dr. Peter K. Rogan Lab, Western University
No classification provided (evidence only). Condition: Malignant tumor of esophagus. Review status: no classification provided. Collection method: in vitro. Allele origin: not applicable. Functional consequence: retained intron. Not counted in ClinVar's aggregate classification.

Dr. Peter K. Rogan Lab, Western University
No classification provided (evidence only). Condition: Malignant tumor of esophagus. Review status: no classification provided. Collection method: in vitro. Allele origin: not applicable. Functional consequence: retained intron. Not counted in ClinVar's aggregate classification.

NM_007192.4(SUPT16H):c.783-6C>G

Gene: SUPT16H (SPT16 homolog, facilitates chromatin remodeling subunit; minus strand). Cytogenetic location: 14q11.2.
Variant type: single nucleotide variant.
Coding change: c.783-6C>G on transcript NM_007192.4 (MANE Select); 6 bases into the intron before coding-DNA position 783, C replaced by G.
Molecular consequence: intron variant.
Genome position (GRCh38, 1-based): chr14:21,368,447, G>C on the plus strand (C>G on the coding strand, the complement: SUPT16H is on the minus strand). VCF-style: chr14-21368447-G-C. GRCh37 (hg19) VCF-style: chr14-21836606-G-C.
Other names: NC_000014.8:g.21836606G>C.
Identifiers: ClinVar variation 785453 (VCV000785453.7), dbSNP rs76277294, ClinGen allele CA7090261.